The following is an entry in ClinVar:

ClinVar aggregate classification (germline): Conflicting classifications of pathogenicity. Review status: criteria provided, conflicting classifications (1 of 4 stars). 3 submissions from 3 submitters: Likely pathogenic (2); Uncertain significance (1). Last evaluated 2025-07-10.

Conditions:
Hereditary cancer-predisposing syndrome. Also called: Tumor predisposition; Hereditary Cancer Syndrome; Neoplastic Syndromes, Hereditary; Hereditary neoplastic syndrome. Identifiers: Orphanet 140162, MedGen C0027672, MeSH D009386, MONDO:0015356.
Hereditary breast ovarian cancer syndrome. Also called: Hereditary breast and ovarian cancer syndrome; Hereditary breast and ovarian cancer; Hereditary breast and/or ovarian cancer syndrome; Breast and ovarian cancer; BRCA1- and BRCA2-Associated Hereditary Breast and Ovarian Cancer; Hereditary breast and ovarian cancer syndrome (HBOC). Identifiers: Orphanet 145, MedGen C0677776, MeSH D061325, MONDO:0003582. Disease mechanism: loss of function.
Ataxia-telangiectasia syndrome (AT). Also called: Cerebello-oculocutaneous telangiectasia; Immunodeficiency with ataxia telangiectasia; Ataxia-telangiectasia, complementation group D; AT, COMPLEMENTATION GROUP C; Ataxia-telangiectasia, complementation group E; LOUIS-BAR SYNDROME. Identifiers: Orphanet 100, MedGen C0004135, MONDO:0008840, OMIM 208900.

Allele frequency attached by ClinVar (database versions not stated): gnomAD exomes below 0.00001.
gnomAD v4.1: 1 of 1,613,798 alleles (0.000062%); highest among the groups gnomAD compares: Non-Finnish European, 0.000085%; no homozygotes.

Submissions (3):

Labcorp Genetics (formerly Invitae), Labcorp
Classification: Uncertain significance for Ataxia-telangiectasia syndrome. Last evaluated: 2025-07-10. Review status: criteria provided, single submitter. Criteria: Invitae Variant Classification Sherloc (09022015). Collection method: clinical testing. Allele origin: germline.
Comment: This sequence change replaces leucine, which is neutral and non-polar, with arginine, which is basic and polar, at codon 145 of the ATM protein (p.Leu145Arg). This variant is not present in population databases (gnomAD no frequency). This missense change has been observed in individual(s) with ataxia-telangiectasia (PMID: 25614872). ClinVar contains an entry for this variant (Variation ID: 453518). Invitae Evidence Modeling of protein sequence and biophysical properties (such as structural, functional, and spatial information, amino acid conservation, physicochemical variation, residue mobility, and thermodynamic stability) has been performed for this missense variant. However, the output from this modeling did not meet the statistical confidence thresholds required to predict the impact of this variant on ATM protein function. In summary, the available evidence is currently insufficient to determine the role of this variant in disease. Therefore, it has been classified as a Variant of Uncertain Significance.

Ambry Genetics
Classification: Likely pathogenic for Hereditary cancer-predisposing syndrome. Last evaluated: 2025-01-23. Review status: criteria provided, single submitter. Criteria: Ambry Variant Classification Scheme 2023. Collection method: clinical testing. Allele origin: germline.
Comment: The p.L145R variant (also known as c.434T>G), located in coding exon 4 of the ATM gene, results from a T to G substitution at nucleotide position 434. The leucine at codon 145 is replaced by arginine, an amino acid with dissimilar properties. This alteration has been identified in multiple individuals diagnosed with ataxia telangiectasia (Podralska MJ et al. Mol Genet Genomic Med, 2014 Nov;2:504-11; Czarny J et al. Int J Mol Sci, 2023 Jan;24:). This amino acid position is highly conserved in available vertebrate species. In addition, this alteration is predicted to be deleterious by in silico analysis. This variant is considered to be rare based on population cohorts in the Genome Aggregation Database (gnomAD). Based on the majority of available evidence to date, this variant is likely to be pathogenic.

German Consortium for Hereditary Breast and Ovarian Cancer, University Hospital Cologne
Classification: Likely pathogenic for Hereditary breast ovarian cancer syndrome. Last evaluated: 2024-01-09. Review status: criteria provided, single submitter. Criteria: ACMG Guidelines, 2015. Collection method: curation. Allele origin: germline.
Comment: . According to the ACMG standard criteria we chose these criteria: PM2 (supporting pathogenic): not in gnomAD v3.1.2 (non cancer), PM3 (strong pathogenic): Found compound heterozygous in multiple Cases with AT PMID: 36674612 (Czarny et al.,2023) PMID: 25614872 (Podralska MJ et al., 2014), PP3 (supporting pathogenic): CADD:27.8 REVEL: 0.936 BayesDEL:0.334485

Literature cited by the submitters: PubMed 25614872 (cited by Labcorp Genetics (formerly Invitae), Labcorp and Ambry Genetics); PubMed 36674612 (cited by Ambry Genetics).

NM_000051.4(ATM):c.434T>G (p.Leu145Arg)

Gene: ATM (ATM serine/threonine kinase; plus strand). Cytogenetic location: 11q22.3.
Variant type: single nucleotide variant.
Coding change: c.434T>G on transcript NM_000051.4 (MANE Select); coding-DNA position 434, T replaced by G.
Protein change: p.Leu145Arg; replaces leucine 145 with arginine.
Molecular consequence: missense variant.
Genome position (GRCh38, 1-based): chr11:108,235,772, T>G. VCF-style: chr11-108235772-T-G. GRCh37 (hg19) VCF-style: chr11-108106499-T-G.
Other names: c.434T>G, p.Leu145Arg (NM_001351834.2); short protein forms L145R.
Identifiers: ClinVar variation 453518 (VCV000453518.13), dbSNP rs1555059346, ClinGen allele CA382525216.